The following is an entry in ClinVar:

ClinVar aggregate classification (germline): Uncertain significance (1 of 4 stars; one submission).

Allele frequency attached by ClinVar (database versions not stated): gnomAD 0.00001; gnomAD exomes 0.00001; TOPMed 0.00001.
gnomAD v4.1: 13 of 1,576,696 alleles (0.00082%); highest among the groups gnomAD compares: Admixed American, 0.0043%; no homozygotes.

Submission:

Labcorp Genetics (formerly Invitae), Labcorp
Classification: Uncertain significance. Last evaluated: 2022-06-26. Review status: criteria provided, single submitter. Criteria: Invitae Variant Classification Sherloc (09022015). Collection method: clinical testing. Allele origin: germline.
Comment: This sequence change falls in intron 11 of the PNPT1 gene. It does not directly change the encoded amino acid sequence of the PNPT1 protein. It affects a nucleotide within the consensus splice site. This variant is present in population databases (no rsID available, gnomAD 0.002%). This variant has not been reported in the literature in individuals affected with PNPT1-related conditions. Variants that disrupt the consensus splice site are a relatively common cause of aberrant splicing (PMID: 17576681, 9536098). Algorithms developed to predict the effect of sequence changes on RNA splicing suggest that this variant is not likely to affect RNA splicing. In summary, the available evidence is currently insufficient to determine the role of this variant in disease. Therefore, it has been classified as a Variant of Uncertain Significance.

Literature cited by the submitters: PubMed 17576681; PubMed 9536098.

NM_033109.5(PNPT1):c.977-3T>C

Gene: PNPT1 (polyribonucleotide nucleotidyltransferase 1; minus strand). Cytogenetic location: 2p16.1.
Variant type: single nucleotide variant.
Coding change: c.977-3T>C on transcript NM_033109.5 (MANE Select); 3 bases into the intron before coding-DNA position 977, T replaced by C.
Molecular consequence: intron variant.
Genome position (GRCh38, 1-based): chr2:55,667,961, A>G on the plus strand (T>C on the coding strand, the complement: PNPT1 is on the minus strand). VCF-style: chr2-55667961-A-G. GRCh37 (hg19) VCF-style: chr2-55895096-A-G.
Identifiers: ClinVar variation 2184440 (VCV002184440.1), dbSNP rs888972150, ClinGen allele CA47662134.